The following is an entry in ClinVar:

NM_001429.4(EP300):c.1448A>T (p.Gln483Leu)

Gene: EP300 (EP300 lysine acetyltransferase; plus strand). Cytogenetic location: 22q13.2.
Variant type: single nucleotide variant.
Coding change: c.1448A>T on transcript NM_001429.4 (MANE Select); coding-DNA position 1448, A replaced by T.
Protein change: p.Gln483Leu; replaces glutamine 483 with leucine.
Molecular consequence: missense variant.
Genome position (GRCh38, 1-based): chr22:41,131,553, A>T. VCF-style: chr22-41131553-A-T. GRCh37 (hg19) VCF-style: chr22-41527557-A-T.
Other names: c.1448A>T, p.Gln483Leu (NM_001362843.2); short protein forms Q483L.
Identifiers: ClinVar variation 1033839 (VCV001033839.1), dbSNP rs2058919614, ClinGen allele CA411685948.
Genomic context (GRCh38, chr22:41,131,553, plus strand): 5'-CCATAGAAAGAGCCTATGCAGCTCTTGGACTACCCTATCAAGTAAATCAGATGCCGACAC[A>T]ACCCCAGGTGCAAGCAAAGAACCAGCAGAATCAGCAGCCTGGGCAGTCTCCCCAAGGCAT-3'
Protein context (NP_001420.2, residues 473-493): LPYQVNQMPT[Gln483Leu]PQVQAKNQQN

ClinVar aggregate classification (germline): Uncertain significance (1 of 4 stars; one submission).

Conditions:
Rubinstein-Taybi syndrome due to EP300 haploinsufficiency. Also called: EP300-Related Rubinstein-Taybi Syndrome; RUBINSTEIN-TAYBI SYNDROME 2. Identifiers: Orphanet 353284, Orphanet 783, MedGen C3150941, MONDO:0013364, OMIM 613684.

Submission:

Baylor Genetics
Classification: Uncertain significance for Rubinstein-Taybi syndrome due to EP300 haploinsufficiency. Last evaluated: 2018-01-25. Review status: criteria provided, single submitter. Criteria: ACMG Guidelines, 2015. Collection method: clinical testing. Allele origin: paternal. Affected: yes.
Comment: This variant was determined to be of uncertain significance according to ACMG Guidelines, 2015 [PMID:25741868].